The following is an entry in ClinVar:

ClinVar aggregate classification (germline): Uncertain significance (1 of 4 stars; one submission).

Conditions:
Inborn genetic diseases. Identifiers: MedGen C0950123, MeSH D030342.

Submission:

Ambry Genetics
Classification: Uncertain significance for Inborn genetic diseases. Last evaluated: 2026-06-16. Review status: criteria provided, single submitter. Criteria: Ambry Variant Classification Scheme 2023. Collection method: clinical testing. Allele origin: germline.
Comment: The p.P1430R variant (also known as c.4289C>G), located in coding exon 43 of the FANCA gene, results from a C to G substitution at nucleotide position 4289. The proline at codon 1430 is replaced by arginine, an amino acid with dissimilar properties. This amino acid position is conserved. In addition, this alteration is predicted to be deleterious by in silico analysis. Based on the available evidence, the clinical significance of this variant remains unclear.

NM_000135.4(FANCA):c.4289C>G (p.Pro1430Arg)

Genes: FANCA (FA complementation group A; minus strand), ZNF276 (zinc finger protein 276; plus strand). Cytogenetic location: 16q24.3.
Variant type: single nucleotide variant.
Coding change: c.4289C>G on transcript NM_000135.4 (MANE Select); coding-DNA position 4289, C replaced by G.
Protein change: p.Pro1430Arg; replaces proline 1430 with arginine.
Molecular consequence: missense variant. On other transcripts: 3 prime UTR variant (3), non-coding transcript variant (4).
Genome position (GRCh38, 1-based): chr16:89,738,680, G>C on the plus strand (C>G on the coding strand, the complement: FANCA is on the minus strand). VCF-style: chr16-89738680-G-C. GRCh37 (hg19) VCF-style: chr16-89805088-G-C.
Other names: c.*18C>G (NM_001286167.3); c.*434G>C (NM_001113525.2, NM_152287.4); short protein forms P1430R.
Identifiers: ClinVar variation 5036309 (VCV005036309.1).
Genomic context (GRCh38, chr16:89,738,680, plus strand): 5'-TGGGACAGGTCAGCGTCAGGGGCAGCCTGCTGTCTGCTCTGGAGGGCGGCGCTCACCTCT[G>C]GGTCGCAGTCCCCACGATCAGCCAGCAGCTGTGAGAGAGGAGCAGGTCCTCAGCCCATGC-3'
Protein context (NP_000126.2, residues 1420-1440): ELLADRGDCD[Pro1430Arg]EVSAALQSRQ